The following is an entry in ClinVar:

ClinVar aggregate classification (germline): Pathogenic (1 of 4 stars; one submission).

Conditions:
RYR1-related disorder. Also called: RYR1-related condition; RYR1-related disorders. Identifiers: MedGen CN239331.

Submission:

Labcorp Genetics (formerly Invitae), Labcorp
Classification: Pathogenic for RYR1-related disorder. Last evaluated: 2023-11-20. Review status: criteria provided, single submitter. Criteria: Invitae Variant Classification Sherloc (09022015). Collection method: clinical testing. Allele origin: germline.
Comment: This sequence change creates a premature translational stop signal (p.Tyr4631*) in the RYR1 gene. It is expected to result in an absent or disrupted protein product. Loss-of-function variants in RYR1 are known to be pathogenic (PMID: 23919265, 25960145, 28818389, 30611313). This variant is not present in population databases (gnomAD no frequency). This variant has not been reported in the literature in individuals affected with RYR1-related conditions. For these reasons, this variant has been classified as Pathogenic.

Literature cited by the submitters: PubMed 23919265; PubMed 25960145; PubMed 28818389; PubMed 30611313.

NM_000540.3(RYR1):c.13893C>G (p.Tyr4631Ter)

Gene: RYR1 (ryanodine receptor 1; plus strand). Cytogenetic location: 19q13.2.
Variant type: single nucleotide variant.
Coding change: c.13893C>G on transcript NM_000540.3 (MANE Select); coding-DNA position 13893, C replaced by G.
Protein change: p.Tyr4631Ter; replaces tyrosine 4631 with a stop codon.
Molecular consequence: nonsense.
Genome position (GRCh38, 1-based): chr19:38,572,165, C>G. VCF-style: chr19-38572165-C-G. GRCh37 (hg19) VCF-style: chr19-39062805-C-G.
Other names: c.13878C>G, p.Tyr4626Ter (NM_001042723.2); short protein forms Y4626*, Y4631*.
Identifiers: ClinVar variation 2837079 (VCV002837079.3), dbSNP rs1973745205, ClinGen allele CA405680893.